The following is an entry in ClinVar:

NM_000277.3(PAH):c.1180G>C (p.Asp394His)

Gene: PAH (phenylalanine hydroxylase; minus strand). Cytogenetic location: 12q23.2.
Variant type: single nucleotide variant.
Coding change: c.1180G>C on transcript NM_000277.3 (MANE Select); coding-DNA position 1180, G replaced by C.
Protein change: p.Asp394His; replaces aspartic acid 394 with histidine.
Molecular consequence: missense variant.
Genome position (GRCh38, 1-based): chr12:102,843,665, C>G on the plus strand (G>C on the coding strand, the complement: PAH is on the minus strand). VCF-style: chr12-102843665-C-G. GRCh37 (hg19) VCF-style: chr12-103237443-C-G.
Other names: NM_000277.1(PAH):c.1180G>C; c.1180G>C, p.Asp394His (NM_001354304.2); short protein forms D394H.
Identifiers: ClinVar variation 102545 (VCV000102545.31), dbSNP rs62516142, ClinGen allele CA229371.
Genomic context (GRCh38, chr12:102,843,665, plus strand): 5'-AGGCCCCCAGAGCTAGTGGCTCACCTTTGTCACCACCTCACCTTACTTTCTCCTTGGCAT[C>G]ATTAAAACTCTCTGCCACGTAATAGAGGGGCTGGAACTCCGTGACAGTGTAATTTTGGAT-3'
Protein context (NP_000268.1, residues 384-404): PLYYVAESFN[Asp394His]AKEKVRNFAA

ClinVar aggregate classification (germline): Likely pathogenic. Review status: reviewed by expert panel (3 of 4 stars). 6 submissions from 6 submitters: Likely pathogenic (1). 5 of the submissions do not count toward it. Last evaluated 2020-08-17.

Conditions:
Phenylketonuria (PKU). Also called: FOLLING DISEASE; Phenylketonurias; OLIGOPHRENIA PHENYLPYRUVICA; Phenylketonuria (PKU). Identifiers: Orphanet 716, MedGen C0031485, MONDO:0009861, OMIM 261600. Disease mechanism: loss of function.

Allele frequency attached by ClinVar (database versions not stated): gnomAD exomes below 0.00001.
gnomAD v4.1: 2 of 1,613,686 alleles (0.00012%); highest among the groups gnomAD compares: Non-Finnish European, 0.000085%; no homozygotes.

Submissions (6):

ClinGen PAH Variant Curation Expert Panel
Classification: Likely pathogenic for Phenylketonuria. Last evaluated: 2020-08-17. Review status: reviewed by expert panel. Criteria: ClinGen PAH ACMG Specifications v1. Collection method: curation. Allele origin: germline. Inheritance: Autosomal recessive inheritance.
Comment: The c.1180G>C (p.Asp394His) variant in PAH has been reported in multiple individuals with PAH deficiency (BH4 deficiency excluded, PMID: 8889590, 21147011, 31355225 ). This variant is absent in population databases. This variant was detected with pathogenic variants IVS10-11G>A (PMID: 8889590); IVS11nt1g>c (IVS11+1G>C, PMID: 10947211). Computational evidence support a deleterious effect. In summary, this variant meets criteria to be classified as likely pathogenic for PAH. PAH-specific ACMG/AMP criteria applied: PP4_Moderate, PM2, PM3, PP3.

CeGaT Center for Human Genetics Tuebingen
Classification: Pathogenic. Last evaluated: 2024-08-01. Review status: criteria provided, single submitter. Criteria: CeGaT Center For Human Genetics Tuebingen Variant Classification Criteria Version 2. Collection method: clinical testing. Allele origin: germline. Affected: yes. Observed: 1 variant allele. Not counted in ClinVar's aggregate classification.
Comment: PAH: PM3:Very Strong, PM2, PP4

Labcorp Genetics (formerly Invitae), Labcorp
Classification: Pathogenic for Phenylketonuria. Last evaluated: 2024-01-10. Review status: criteria provided, single submitter. Criteria: Invitae Variant Classification Sherloc (09022015). Collection method: clinical testing. Allele origin: germline. Not counted in ClinVar's aggregate classification.
Comment: This sequence change replaces aspartic acid, which is acidic and polar, with histidine, which is basic and polar, at codon 394 of the PAH protein (p.Asp394His). This variant is not present in population databases (gnomAD no frequency). This missense change has been observed in individual(s) with hyperphenylalaninemia (PMID: 8889590, 31355225, 32668217). In at least one individual the data is consistent with being in trans (on the opposite chromosome) from a pathogenic variant. ClinVar contains an entry for this variant (Variation ID: 102545). Advanced modeling of protein sequence and biophysical properties (such as structural, functional, and spatial information, amino acid conservation, physicochemical variation, residue mobility, and thermodynamic stability) performed at Invitae indicates that this missense variant is not expected to disrupt PAH protein function with a negative predictive value of 80%. This variant disrupts the p.Asp394 amino acid residue in PAH. Other variant(s) that disrupt this residue have been determined to be pathogenic (PMID: 8268925, 8830172, 9634518, 32668217). This suggests that this residue is clinically significant, and that variants that disrupt this residue are likely to be disease-causing. For these reasons, this variant has been classified as Pathogenic.

Women's Health and Genetics/Laboratory Corporation of America, LabCorp
Classification: Pathogenic for Phenylketonuria. Last evaluated: 2023-08-24. Review status: criteria provided, single submitter. Criteria: LabCorp Variant Classification Summary - May 2015. Collection method: clinical testing. Allele origin: germline. Not counted in ClinVar's aggregate classification.
Comment: Variant summary: PAH c.1180G>C (p.Asp394His) results in a non-conservative amino acid change in the encoded protein sequence. Five of five in-silico tools predict a damaging effect of the variant on protein function. The variant was absent in 251306 control chromosomes (gnomAD). c.1180G>C has been reported in the literature in a homozygous and multiple compound heterozygous individuals affected with Phenylalanine Hydroxylase Deficiency (Phenylketonuria), with phenotypes ranging from mild hyperphenylalaninemia to classic-phenylketonuria (e.g. Guldberg_1996, Dobrowolski_2011, Su_2019, Bik-Multanowski_2022, Hillert_2020); all reported compound heterozygous individuals carried a pathogenic second variant. These data indicate that the variant is very likely to be associated with disease. To our knowledge, no experimental evidence demonstrating an impact on protein function has been reported. The following publications have been ascertained in the context of this evaluation (PMID: 8889590, 21147011, 31355225, 35176108, 32668217). Two submitters have cited clinical-significance assessments for this variant to ClinVar after 2014. All submitters classified the variant as likely pathogenic. Based on the evidence outlined above, the variant was classified as pathogenic.

Genomic Research Center, Shahid Beheshti University of Medical Sciences
Classification: Likely pathogenic for Phenylketonuria. Last evaluated: 2018-08-07. Review status: criteria provided, single submitter. Criteria: ACMG Guidelines, 2015. Collection method: clinical testing. Allele origin: inherited. Affected: no. Observed: 1 variant allele. Not counted in ClinVar's aggregate classification.

DeBelle Laboratory for Biochemical Genetics, MUHC/MCH RESEARCH INSTITUTE
No classification provided. Review status: no classification provided. Collection method: not provided. Allele origin: not provided. Not counted in ClinVar's aggregate classification.

Literature cited by the submitters: PubMed 21147011 (cited by ClinGen PAH Variant Curation Expert Panel and Women's Health and Genetics/Laboratory Corporation of America, LabCorp); PubMed 8889590 (cited by 3 submitters); PubMed 31355225 (cited by Labcorp Genetics (formerly Invitae), Labcorp and Women's Health and Genetics/Laboratory Corporation of America, LabCorp); PubMed 32668217 (cited by Labcorp Genetics (formerly Invitae), Labcorp and Women's Health and Genetics/Laboratory Corporation of America, LabCorp); PubMed 8268925 (cited by Labcorp Genetics (formerly Invitae), Labcorp); PubMed 8830172 (cited by Labcorp Genetics (formerly Invitae), Labcorp); PubMed 9634518 (cited by Labcorp Genetics (formerly Invitae), Labcorp); PubMed 35176108 (cited by Women's Health and Genetics/Laboratory Corporation of America, LabCorp).